The following is an entry in ClinVar:

ClinVar aggregate classification (germline): Pathogenic/Likely pathogenic. Review status: criteria provided, multiple submitters, no conflicts (2 of 4 stars). 29 submissions from 29 submitters: Pathogenic (24); Likely pathogenic (2). 3 of the submissions do not count toward it. Last evaluated 2025-11-12.

Conditions:
ATM-related disorder. Also called: ATM-related disorders; ATM-related condition.
Ataxia-telangiectasia syndrome (AT). Also called: Ataxia-telangiectasia, complementation group E; LOUIS-BAR SYNDROME; Ataxia-telangiectasia; Cerebello-oculocutaneous telangiectasia; Immunodeficiency with ataxia telangiectasia; ATAXIA-TELANGIECTASIA, FRESNO VARIANT. Identifiers: Orphanet 100, MedGen C0004135, MONDO:0008840, OMIM 208900.
Familial cancer of breast. Also called: Hereditary breast cancer; BREAST CANCER, FAMILIAL; hereditary breast carcinoma. Identifiers: Orphanet 227535, MedGen C0346153, MONDO:0016419, OMIM 114480. Disease mechanism: loss of function.
Hereditary cancer-predisposing syndrome. Also called: Neoplastic Syndromes, Hereditary; Tumor predisposition; Hereditary Cancer Syndrome; Hereditary neoplastic syndrome. Identifiers: Orphanet 140162, MedGen C0027672, MeSH D009386, MONDO:0015356.
BAP1-related tumor predisposition syndrome (TPDS1). Also called: Tumor susceptibility linked to germline BAP1 mutations; COMMON Syndrome; BAP1 tumor predisposition syndrome; TUMOR PREDISPOSITION SYNDROME 1. Identifiers: Orphanet 289539, MedGen C3280492, MONDO:0013692, OMIM 614327.

Allele frequency attached by ClinVar (database versions not stated): TOPMed 0.00002.
gnomAD v4.1: 14 of 1,613,460 alleles (0.00087%); highest among the groups gnomAD compares: Admixed American, 0.0083%; no homozygotes.

Submissions 1 to 10 of 29:

Labcorp Genetics (formerly Invitae), Labcorp
Classification: Pathogenic for Ataxia-telangiectasia syndrome. Last evaluated: 2025-11-12. Review status: criteria provided, single submitter. Criteria: Invitae Variant Classification Sherloc (09022015). Collection method: clinical testing. Allele origin: germline.
Comment: This sequence change creates a premature translational stop signal (p.Arg35*) in the ATM gene. It is expected to result in an absent or disrupted protein product. Loss-of-function variants in ATM are known to be pathogenic (PMID: 23807571, 25614872). This variant is present in population databases (rs55861249, gnomAD 0.009%). This premature translational stop signal has been observed in individual(s) with ataxia-telangiectasia (A-T) and/or breast cancer (PMID: 8968760, 21665257, 26845104). It is commonly reported in individuals of North African Jewish ancestry (PMID: 8968760). ClinVar contains an entry for this variant (Variation ID: 3025). Algorithms developed to predict the effect of variants on gene product structure and function are not available or were not evaluated for this variant. Experimental studies have shown that this premature translational stop signal affects ATM function (PMID: 8968760, 12637545, 15101044, 17699107). For these reasons, this variant has been classified as Pathogenic.

PreventionGenetics, part of Exact Sciences
Classification: Pathogenic for ATM-related condition. Last evaluated: 2025-08-22. Review status: criteria provided, single submitter. Criteria: ACMG Guidelines, 2015. Collection method: clinical testing. Allele origin: germline.
Comment: The ATM c.103C>T variant is predicted to result in premature protein termination (p.Arg35*). This variant has been previously reported in multiple individuals with autosomal recessive ataxia telangiectasia (see, for example, Blanchard-Rohner et al. 2022. PubMed ID: 35154108; Mutlu-Albayrak et al. 2020. PubMed ID: 31741144; Sun et al. 2019. PubMed ID: 29915382). This variant is reported in 0.0087% of alleles in individuals of Latino descent in gnomAD and is interpreted as likely pathogenic/pathogenic in ClinVar (ClinVar: 3025). Nonsense variants in ATM are expected to be pathogenic. This variant is interpreted as pathogenic.

Natera, Inc.
Classification: Pathogenic for Ataxia-telangiectasia. Last evaluated: 2025-08-18. Review status: criteria provided, single submitter. Criteria: Natera Variant Classification Schema (03/2026). Collection method: clinical testing. Allele origin: germline.
Comment: The c.103C>T variant in ATM is a nonsense variant predicted to introduce a stop codon at amino acid 35. This variant is expected to result in nonsense mediated decay, truncation, or a dysfunctional protein product. This variant is rare in the general population with a frequency below the threshold expected for the associated phenotype(s). This variant has been observed in one or more individuals affected with the associated recessive disease, as either homozygous or compound heterozygous with a second variant (PMID: 21965147, 29915382, 9450906). Given the available evidence, this variant is classified as Pathogenic.

Ambry Genetics
Classification: Pathogenic for Hereditary cancer-predisposing syndrome. Last evaluated: 2024-11-06. Review status: criteria provided, single submitter. Criteria: Ambry Variant Classification Scheme 2023. Collection method: clinical testing. Allele origin: germline.
Comment: The p.R35* pathogenic mutation (also known as c.103C>T), located in coding exon 2 of the ATM gene, results from a C to T substitution at nucleotide position 103. This changes the amino acid from an arginine to a stop codon within coding exon 2. This alteration has been previously reported in a homozygous state in multiple individuals of North African Jewish ancestry with ataxia-telangiectasia (A-T). Additionally, the allele frequency in North African Jewish individuals with A-T has been reported at 97%, as compared to 29% in the healthy North African Jewish population, strongly indicating a founder effect in this population (Gilad S et al. Hum. Mol. Genet. 1996 Dec;5:2033-7). The p.R35* mutation was subsequently identified in both Hispanic and Sephardic Jewish A-T families sharing the same SNP haplotype, suggesting that this mutation has spread to other ethnicities over time as a result of migration (Campbell C et al. Hum. Mutat. 2003 Jan;21:80-5). Furthermore, functional studies show that this mutation leads to the elimination of ATM protein synthesis (Gilad S et al. Hum. Mol. Genet. 1996 Dec;5:2033-7) as well as increased radiosensitivity (Guti&eacute;rrez-Enr&iacute;quez S et al. Genes Chromosomes Cancer. 2004 Jun;40:109-19) in lymphoblastoid cell lines homozygous for this mutation. In addition to patients with ataxia-telangiectasia, this alteration has also been reported in breast, prostate and pancreatic cancer cohorts (Lowery MA et al. J Natl Cancer Inst, 2018 10;110:1067-1074; Bannon SA et al. Cancer Prev Res (Phila), 2018 11;11:679-686; Nguyen-Dumont T et al. Int J Cancer, 2020 10;147:2142-2149; Dorling et al. N Engl J Med. 2021 02;384:428-439). In addition to the clinical data presented in the literature, this alteration is expected to result in loss of function by premature protein truncation or nonsense-mediated mRNA decay. As such, this alteration is interpreted as a disease-causing mutation.

Molecular Diagnostics Laboratory, Catalan Institute of Oncology
Classification: Likely pathogenic for Hereditary cancer-predisposing syndrome. Last evaluated: 2024-09-05. Review status: criteria provided, single submitter. Criteria: ClinGen ACMG Specifications ATM V1.1.0. Collection method: clinical testing. Allele origin: germline.
Comment: PVS1, PM5_Supporting c.103C>T, located in exon 3 of the ATM gene, is expected to result in loss of function by premature protein truncation before codon 35, p.(Arg35*). This alteration is expected to result in loss of function by premature protein truncation and nonsense-mediated mRNA decay (PVS1, PM5_Supporting). The variant allele was found in 5/268068 alleles with an allele frequency of 0.0018% in the population database gnomAD v2.1.1 (non-cancer dataset). The SpliceAI algorithm predicts no significant impact on splicing. In addition, it has been reported in ClinVar database (21x pathogenic, 1x likely pathogenic) and in the LOVD database (2x pathogenic, 10x uncertain significance, 2x not classified). Based on currently available information, the variant c.103C>T is classified as a pathogenic variant according to ClinGen-ATM Guidelines version v1.1.

Blueprint Genetics
Classification: Pathogenic for ATM-related disorders. Last evaluated: 2024-08-30. Review status: criteria provided, single submitter. Criteria: ACMG Guidelines, 2015. Collection method: clinical testing. Allele origin: germline. Affected: yes. Observed: 2 variant alleles.

Centre of Medical Genetics, University Hospital Muenster
Classification: Pathogenic. Last evaluated: 2024-07-30. Review status: criteria provided, single submitter. Criteria: ACMG Guidelines, 2015. Collection method: clinical testing. Allele origin: unknown. Affected: yes. Observed: 1 variant allele, 1 heterozygote.
Comment: ACMG categories: PVS1,PM2_sup,PM3

KCCC/NGS Laboratory, Kuwait Cancer Control Center
Classification: Pathogenic for Familial cancer of breast. Last evaluated: 2024-05-02. Review status: criteria provided, single submitter. Criteria: ACMG Guidelines, 2015. Collection method: clinical testing. Allele origin: germline. Inheritance: Autosomal dominant inheritance. Affected: yes. Observed: 1 heterozygote.
Comment: This sequence change creates a premature translational stop signal (p.Arg35*) in the ATM gene. It is expected to result in an absent or disrupted protein product. Loss-of-function variants in ATM are known to be pathogenic (PMID: 23807571, 25614872). This variant is present in population databases (rs55861249, gnomAD 0.009%). This premature translational stop signal has been observed in individual(s) with ataxia-telangiectasia (A-T) and/or breast cancer (PMID: 8968760, 21665257, 26845104). It is commonly reported in individuals of North African Jewish ancestry (PMID: 8968760). ClinVar contains an entry for this variant (Variation ID: 3025). Algorithms developed to predict the effect of variants on protein structure and function are not available or were not evaluated for this variant. Experimental studies have shown that this premature translational stop signal affects ATM function (PMID: 8968760, 12637545, 15101044, 17699107). For these reasons, this variant has been classified as Pathogenic.

Fulgent Genetics
Classification: Pathogenic for Familial cancer of breast; Ataxia-telangiectasia syndrome. Last evaluated: 2024-04-25. Review status: criteria provided, single submitter. Criteria: ACMG Guidelines, 2015. Collection method: clinical testing. Allele origin: germline.

Department of Human Genetics, Hannover Medical School
Classification: Pathogenic for Tumor predisposition syndrome. Last evaluated: 2024-03-28. Review status: criteria provided, single submitter. Criteria: ACMG Guidelines, 2015. Collection method: clinical testing. Allele origin: germline. Affected: yes.

NM_000051.4(ATM):c.103C>T (p.Arg35Ter)

Gene: ATM (ATM serine/threonine kinase; plus strand). Cytogenetic location: 11q22.3.
Variant type: single nucleotide variant.
Coding change: c.103C>T on transcript NM_000051.4 (MANE Select); coding-DNA position 103, C replaced by T.
Protein change: p.Arg35Ter; replaces arginine 35 with a stop codon.
Molecular consequence: nonsense.
Genome position (GRCh38, 1-based): chr11:108,227,806, C>T. VCF-style: chr11-108227806-C-T. GRCh37 (hg19) VCF-style: chr11-108098533-C-T.
Other names: c.103C>T, p.Arg35Ter (NM_001351834.2, NM_001351835.2, NM_001351836.2); short protein forms R35*.
Identifiers: ClinVar variation 3025 (VCV000003025.88), dbSNP rs55861249, ClinGen allele CA166087.